The following is an entry in ClinVar:

ClinVar aggregate classification (germline): Uncertain significance (1 of 4 stars; one submission).

Allele frequency attached by ClinVar (database versions not stated): gnomAD exomes below 0.00001; gnomAD 0.00001.

Submission:

Labcorp Genetics (formerly Invitae), Labcorp
Classification: Uncertain significance. Last evaluated: 2024-11-11. Review status: criteria provided, single submitter. Criteria: Invitae Variant Classification Sherloc (09022015). Collection method: clinical testing. Allele origin: germline.
Comment: This sequence change replaces valine, which is neutral and non-polar, with methionine, which is neutral and non-polar, at codon 195 of the MRPL12 protein (p.Val195Met). This variant is not present in population databases (gnomAD no frequency). This variant has not been reported in the literature in individuals affected with MRPL12-related conditions. ClinVar contains an entry for this variant (Variation ID: 2130529). An algorithm developed to predict the effect of missense changes on protein structure and function (PolyPhen-2) suggests that this variant is likely to be disruptive. In summary, the available evidence is currently insufficient to determine the role of this variant in disease. Therefore, it has been classified as a Variant of Uncertain Significance.

NM_002949.4(MRPL12):c.583G>A (p.Val195Met)

Gene: MRPL12 (mitochondrial ribosomal protein L12; plus strand). Cytogenetic location: 17q25.3.
Variant type: single nucleotide variant.
Coding change: c.583G>A on transcript NM_002949.4 (MANE Select); coding-DNA position 583, G replaced by A.
Protein change: p.Val195Met; replaces valine 195 with methionine.
Molecular consequence: missense variant.
Genome position (GRCh38, 1-based): chr17:81,707,226, G>A. VCF-style: chr17-81707226-G-A. GRCh37 (hg19) VCF-style: chr17-79674256-G-A.
Other names: short protein forms V195M.
Identifiers: ClinVar variation 2130529 (VCV002130529.4), dbSNP rs1259127609, ClinGen allele CA401513870.